The following is an entry in ClinVar:

NM_000093.5(COL5A1):c.2332-177G>A

Gene: COL5A1 (collagen type V alpha 1 chain; plus strand). Cytogenetic location: 9q34.3.
Variant type: single nucleotide variant.
Coding change: c.2332-177G>A on transcript NM_000093.5 (MANE Select); 177 bases into the intron before coding-DNA position 2332, G replaced by A.
Molecular consequence: intron variant.
Genome position (GRCh38, 1-based): chr9:134,774,682, G>A. VCF-style: chr9-134774682-G-A. GRCh37 (hg19) VCF-style: chr9-137666528-G-A.
Other names: c.2332-177G>A (NM_001278074.1).
Identifiers: ClinVar variation 674554 (VCV000674554.1), dbSNP rs72774444, ClinGen allele CA201101163.

ClinVar aggregate classification (germline): Likely benign (1 of 4 stars; one submission).

Allele frequency attached by ClinVar (database versions not stated): TOPMed 0.02077; gnomAD 0.02183 and 0.02212; 1000 Genomes Project 30x 0.02608; 1000 Genomes Project 0.02616.
gnomAD v4.1: 3,360 of 152,316 alleles (2.2%); highest among the groups gnomAD compares: East Asian, 3.9%; 35 homozygotes.

Submission:

GeneDx
Classification: Likely benign. Last evaluated: 2018-06-19. Review status: criteria provided, single submitter. Criteria: GeneDx Variant Classification (06012015). Collection method: clinical testing. Allele origin: germline. Affected: yes.
Comment: This variant is considered likely benign or benign based on one or more of the following criteria: it is a conservative change, it occurs at a poorly conserved position in the protein, it is predicted to be benign by multiple in silico algorithms, and/or has population frequency not consistent with disease.